The following is an entry in ClinVar:

ClinVar aggregate classification (germline): Pathogenic (1 of 4 stars; one submission).

Submission:

Labcorp Genetics (formerly Invitae), Labcorp
Classification: Pathogenic. Last evaluated: 2023-04-15. Review status: criteria provided, single submitter. Criteria: Invitae Variant Classification Sherloc (09022015). Collection method: clinical testing. Allele origin: germline.
Comment: For these reasons, this variant has been classified as Pathogenic. This premature translational stop signal has been observed in individual(s) with bone marrow failure syndrome with amegakaryocytic thrombocytopenia (PMID: 29540340). This variant is not present in population databases (gnomAD no frequency). This sequence change creates a premature translational stop signal (p.Cys23*) in the MECOM gene. It is expected to result in an absent or disrupted protein product. Loss-of-function variants in MECOM are known to be pathogenic (PMID: 29540340).

Literature cited by the submitters: PubMed 29540340.

NM_004991.4(MECOM):c.633C>A (p.Cys211Ter)

Gene: MECOM (MDS1 and EVI1 complex locus; minus strand). Cytogenetic location: 3q26.2.
Variant type: single nucleotide variant.
Coding change: c.633C>A on transcript NM_004991.4 (MANE Select); coding-DNA position 633, C replaced by A.
Protein change: p.Cys211Ter; replaces cysteine 211 with a stop codon.
Molecular consequence: nonsense.
Genome position (GRCh38, 1-based): chr3:169,128,041, G>T on the plus strand (C>A on the coding strand, the complement: MECOM is on the minus strand). VCF-style: chr3-169128041-G-T. GRCh37 (hg19) VCF-style: chr3-168845829-G-T.
Other names: c.261C>A, p.Cys87Ter (NM_001105077.4); c.69C>A, p.Cys23Ter (NM_001105078.4, NM_001163999.2, NM_001164000.2 and 9 more transcripts); c.633C>A, p.Cys211Ter (NM_001366466.2, NM_001366473.2); short protein forms C87*, C23*, C211*.
Identifiers: ClinVar variation 2910177 (VCV002910177.3), dbSNP rs188482846, ClinGen allele CA355070417.
Genomic context (GRCh38, chr3:169,128,041, plus strand): 5'-TGGAAACTTTTGGTGATCTGCTAGTTCAGCCTTAGATTCAAAGAGCTGGTCACAGTCTTC[G>T]CAGCGATATTGCCGTTCTTCTGTGAAAACAATTCAGGTGTTAGGATTGGGTGGTCAGGAA-3'